The following is an entry in ClinVar:

ClinVar aggregate classification (germline): Conflicting classifications of pathogenicity. Review status: criteria provided, conflicting classifications (1 of 4 stars). 4 submissions from 4 submitters: Likely pathogenic (2); Uncertain significance (2). Last evaluated 2026-03-05.

Conditions:
Polymerase proofreading-related adenomatous polyposis. Also called: Polymerase proofreading associated polyposis; Polymerase proofreading–associated polyposis (PPAP). Identifiers: Orphanet 447877, MedGen C5202613, MONDO:0018653.
Hereditary cancer-predisposing syndrome. Also called: Hereditary neoplastic syndrome; Tumor predisposition; Hereditary Cancer Syndrome; Neoplastic Syndromes, Hereditary. Identifiers: Orphanet 140162, MedGen C0027672, MeSH D009386, MONDO:0015356.
Colorectal cancer, susceptibility to, 12 (CRCS12). Also called: COLORECTAL CANCER, SUSCEPTIBILITY TO, ON CHROMOSOME 12q24. Identifiers: Orphanet 220460, MedGen C3554460, MONDO:0014038, OMIM 615083.

Submissions (4):

Myriad Genetics, Inc.
Classification: Likely pathogenic for Colorectal cancer, susceptibility to, 12. Last evaluated: 2026-03-05. Review status: criteria provided, single submitter. Criteria: Myriad Autosomal Dominant, Autosomal Recessive and X-Linked Classification Criteria (2023). Collection method: clinical testing. Allele origin: unknown.
Comment: This variant is considered likely pathogenic. This variant has shown to segregate with cancer in one or more families [PMID: 32424176]. This variant has been reported in an individual with clinical features of gene-specific disease [PMID: 29056344]. This variant is expected to disrupt protein structure [Myriad internal data; PMID: 32424176].

Labcorp Genetics (formerly Invitae), Labcorp
Classification: Uncertain significance. Last evaluated: 2023-10-24. Review status: criteria provided, single submitter. Criteria: Invitae Variant Classification Sherloc (09022015). Collection method: clinical testing. Allele origin: germline.
Comment: This sequence change replaces aspartic acid, which is acidic and polar, with asparagine, which is neutral and polar, at codon 368 of the POLE protein (p.Asp368Asn). This variant is not present in population databases (gnomAD no frequency). This missense change has been observed in individual(s) with polyposis and colorectal cancer (PMID: 32424176). ClinVar contains an entry for this variant (Variation ID: 822177). Advanced modeling of protein sequence and biophysical properties (such as structural, functional, and spatial information, amino acid conservation, physicochemical variation, residue mobility, and thermodynamic stability) performed at Invitae indicates that this missense variant is expected to disrupt POLE protein function with a positive predictive value of 80%. Experimental studies have shown that this missense change affects POLE function (PMID: 32424176). In summary, the available evidence is currently insufficient to determine the role of this variant in disease. Therefore, it has been classified as a Variant of Uncertain Significance.

Department of Molecular Diagnostics, Institute of Oncology Ljubljana
Classification: Likely pathogenic for Polymerase proofreading-related adenomatous polyposis. Last evaluated: 2023-07-12. Review status: criteria provided, single submitter. Criteria: ACMG Guidelines, 2015. Collection method: clinical testing. Allele origin: germline, unknown. Inheritance: Autosomal dominant inheritance. Affected: yes. Observed: 1 heterozygote.
Comment: The variant NM_006231.4(POLE):c.1102G>A p.(Asp368Asn) has been detected in two first degree relatives. Variants that disrupt POLE proofreading (exonuclease)‐domain cause ultramutated phenotype.

Ambry Genetics
Classification: Uncertain significance for Hereditary cancer-predisposing syndrome. Last evaluated: 2018-03-26. Review status: criteria provided, single submitter. Criteria: Ambry Variant Classification Scheme 2023. Collection method: clinical testing. Allele origin: germline.
Comment: The p.D368N variant (also known as c.1102G>A), located in coding exon 11 of the POLE gene, results from a G to A substitution at nucleotide position 1102. The aspartic acid at codon 368 is replaced by asparagine, an amino acid with highly similar properties. This amino acid position is highly conserved in available vertebrate species. In addition, this alteration is predicted to be tolerated by in silico analysis. Since supporting evidence is limited at this time, the clinical significance of this alteration remains unclear.

Literature cited by the submitters: PubMed 32424176 (cited by Myriad Genetics, Inc. and Labcorp Genetics (formerly Invitae), Labcorp); PubMed 29056344 (cited by Myriad Genetics, Inc.); PubMed 25124163 (cited by Ambry Genetics).

NM_006231.4(POLE):c.1102G>A (p.Asp368Asn)

Gene: POLE (DNA polymerase epsilon, catalytic subunit; minus strand). Cytogenetic location: 12q24.33.
Variant type: single nucleotide variant.
Coding change: c.1102G>A on transcript NM_006231.4 (MANE Select); coding-DNA position 1102, G replaced by A.
Protein change: p.Asp368Asn; replaces aspartic acid 368 with asparagine.
Molecular consequence: missense variant.
Genome position (GRCh38, 1-based): chr12:132,675,739, C>T on the plus strand (G>A on the coding strand, the complement: POLE is on the minus strand). VCF-style: chr12-132675739-C-T. GRCh37 (hg19) VCF-style: chr12-133252325-C-T.
Other names: short protein forms D368N.
Identifiers: ClinVar variation 822177 (VCV000822177.10), dbSNP rs1593077422, ClinGen allele CA387361320.